The following is an entry in ClinVar:

ClinVar aggregate classification (germline): Pathogenic/Likely pathogenic. Review status: criteria provided, multiple submitters, no conflicts (2 of 4 stars). 2 submissions from 2 submitters: Pathogenic (1); Likely pathogenic (1). Last evaluated 2026-01-18.

Conditions:
Tumoral calcinosis, hyperphosphatemic, familial, 1. Also called: HYPEROSTOSIS WITH HYPERPHOSPHATEMIA; HYPEROSTOSIS-HYPERPHOSPHATEMIA SYNDROME; CORTICAL HYPEROSTOSIS WITH HYPERPHOSPHATEMIA; CALCINOSIS, TUMORAL, WITH HYPERPHOSPHATEMIA; LIPOCALCINOGRANULOMATOSIS; MORBUS TEUTSCHLAENDER. Identifiers: Orphanet 53715, MedGen C4692564, MONDO:0100252, OMIM 211900.

Allele frequency attached by ClinVar (database versions not stated): TOPMed 0.00009; gnomAD exomes 0.00002; gnomAD 0.00004.
gnomAD v4.1: 16 of 1,613,840 alleles (0.00099%); highest among the groups gnomAD compares: Admixed American, 0.023%; no homozygotes.

Submissions (2):

Labcorp Genetics (formerly Invitae), Labcorp
Classification: Pathogenic. Last evaluated: 2026-01-18. Review status: criteria provided, single submitter. Criteria: Invitae Variant Classification Sherloc (09022015). Collection method: clinical testing. Allele origin: germline.
Comment: This sequence change replaces glycine, which is neutral and non-polar, with arginine, which is basic and polar, at codon 329 of the GALNT3 protein (p.Gly329Arg). This variant is present in population databases (no rsID available, gnomAD 0.009%). This missense change has been observed in individual(s) with clinical features of tumoral calcinosis (PMID: 38106599; internal data). ClinVar contains an entry for this variant (Variation ID: 1418978). Invitae Evidence Modeling of protein sequence and biophysical properties (such as structural, functional, and spatial information, amino acid conservation, physicochemical variation, residue mobility, and thermodynamic stability) indicates that this missense variant is expected to disrupt GALNT3 protein function with a positive predictive value of 80%. For these reasons, this variant has been classified as Pathogenic.

Fulgent Genetics
Classification: Likely pathogenic for Tumoral calcinosis, hyperphosphatemic, familial, 1. Last evaluated: 2024-01-24. Review status: criteria provided, single submitter. Criteria: ACMG Guidelines, 2015. Collection method: clinical testing. Allele origin: germline.

Literature cited by the submitters: PubMed 38106599 (cited by Labcorp Genetics (formerly Invitae), Labcorp).

NM_004482.4(GALNT3):c.985G>A (p.Gly329Arg)

Gene: GALNT3 (polypeptide N-acetylgalactosaminyltransferase 3; minus strand). Cytogenetic location: 2q24.3.
Variant type: single nucleotide variant.
Coding change: c.985G>A on transcript NM_004482.4 (MANE Select); coding-DNA position 985, G replaced by A.
Protein change: p.Gly329Arg; replaces glycine 329 with arginine.
Molecular consequence: missense variant.
Genome position (GRCh38, 1-based): chr2:165,759,424, C>T on the plus strand (G>A on the coding strand, the complement: GALNT3 is on the minus strand). VCF-style: chr2-165759424-C-T. GRCh37 (hg19) VCF-style: chr2-166615934-C-T.
Other names: short protein forms G329R.
Identifiers: ClinVar variation 1418978 (VCV001418978.10), dbSNP rs1204063782, ClinGen allele CA349037263.